The following is an entry in ClinVar:

NC_000010.10:g.(?_8111416)_(8111581_?)del

Gene: GATA3 (GATA binding protein 3; plus strand). Cytogenetic location: 10p14.
Variant type: Deletion.
Identifiers: ClinVar variation 2423455 (VCV002423455.4).

ClinVar aggregate classification (germline): Pathogenic (1 of 4 stars; one submission).

Submission:

Labcorp Genetics (formerly Invitae), Labcorp
Classification: Pathogenic. Last evaluated: 2023-04-10. Review status: criteria provided, single submitter. Criteria: Invitae Variant Classification Sherloc (09022015). Collection method: clinical testing. Allele origin: germline.
Comment: For these reasons, this variant has been classified as Pathogenic. This variant disrupts a region of the GATA3 protein in which other variant(s) (p.Cys318Ser) have been determined to be pathogenic (PMID: 21157112). This suggests that this is a clinically significant region of the protein, and that variants that disrupt it are likely to be disease-causing. This variant has not been reported in the literature in individuals affected with GATA3-related conditions. This variant is a gross deletion of the genomic region encompassing exon(s) 5 of the GATA3 gene. This variant would be expected to be in-frame, preserving the integrity of the reading frame.

Literature cited by the submitters: PubMed 21157112.